The following is an entry in ClinVar:

NM_000038.6(APC):c.1550C>G (p.Ala517Gly)

Gene: APC (APC regulator of Wnt signaling pathway; plus strand). Cytogenetic location: 5q22.2.
Variant type: single nucleotide variant.
Coding change: c.1550C>G on transcript NM_000038.6 (MANE Select); coding-DNA position 1550, C replaced by G.
Protein change: p.Ala517Gly; replaces alanine 517 with glycine.
Molecular consequence: missense variant.
Genome position (GRCh38, 1-based): chr5:112,827,930, C>G. VCF-style: chr5-112827930-C-G. GRCh37 (hg19) VCF-style: chr5-112163627-C-G.
Other names: c.1550C>G, p.Ala517Gly (NM_001127510.3, NM_001354895.2, NM_001407450.1); c.1496C>G, p.Ala499Gly (NM_001127511.3); c.1604C>G, p.Ala535Gly (NM_001354896.2, NM_001407447.1, NM_001407448.1 and 1 more transcripts); c.1580C>G, p.Ala527Gly (NM_001354897.2); c.1475C>G, p.Ala492Gly (NM_001354898.2); c.1466C>G, p.Ala489Gly (NM_001354899.2); c.1427C>G, p.Ala476Gly (NM_001354900.2); c.1373C>G, p.Ala458Gly (NM_001354901.2, NM_001407453.1); and 11 more; short protein forms A476G, A507G, A510G, A535G, A545G, A388G, A391G, A416G.
Identifiers: ClinVar variation 1775042 (VCV001775042.2), dbSNP rs1247715885, ClinGen allele CA16024695.

ClinVar aggregate classification (germline): Uncertain significance (1 of 4 stars; one submission).

Conditions:
Hereditary cancer-predisposing syndrome. Also called: Hereditary Cancer Syndrome; Hereditary neoplastic syndrome; Neoplastic Syndromes, Hereditary; Tumor predisposition. Identifiers: Orphanet 140162, MedGen C0027672, MeSH D009386, MONDO:0015356.

Submission:

Ambry Genetics
Classification: Uncertain significance for Hereditary cancer-predisposing syndrome. Last evaluated: 2020-02-12. Review status: criteria provided, single submitter. Criteria: Ambry Variant Classification Scheme 2023. Collection method: clinical testing. Allele origin: germline.
Comment: The p.A517G variant (also known as c.1550C>G), located in coding exon 12 of the APC gene, results from a C to G substitution at nucleotide position 1550. The alanine at codon 517 is replaced by glycine, an amino acid with similar properties. This amino acid position is highly conserved in available vertebrate species. In addition, in silico predictors for this gene do not accurately predict pathogenicity. Since supporting evidence is limited at this time, the clinical significance of this alteration remains unclear.